The following is an entry in ClinVar:

ClinVar aggregate classification (germline): Conflicting classifications of pathogenicity. Review status: criteria provided, conflicting classifications (1 of 4 stars). 2 submissions from 2 submitters: Uncertain significance (1); Likely benign (1). Last evaluated 2025-05-05.

Conditions:
Cardiovascular phenotype. Identifiers: MedGen CN230736.
Hereditary cancer-predisposing syndrome. Also called: Hereditary Cancer Syndrome; Hereditary neoplastic syndrome; Tumor predisposition; Neoplastic Syndromes, Hereditary. Identifiers: Orphanet 140162, MedGen C0027672, MeSH D009386, MONDO:0015356.
Neurofibromatosis, type 1 (NF1). Also called: VON RECKLINGHAUSEN DISEASE; NEUROFIBROMATOSIS, TYPE I, SOMATIC; Peripheral type neurofibromatosis; Neurofibromatosis, type I. Identifiers: Orphanet 636, MedGen C0027831, MONDO:0018975, OMIM 162200. Disease mechanism: loss of function.

Allele frequency attached by ClinVar (database versions not stated): TOPMed 0.00001.

Submissions (2):

Labcorp Genetics (formerly Invitae), Labcorp
Classification: Likely benign for Neurofibromatosis, type 1. Last evaluated: 2025-05-05. Review status: criteria provided, single submitter. Criteria: Invitae Variant Classification Sherloc (09022015). Collection method: clinical testing. Allele origin: germline.

Ambry Genetics
Classification: Uncertain significance for Cardiovascular phenotype; Hereditary cancer-predisposing syndrome. Last evaluated: 2025-02-14. Review status: criteria provided, single submitter. Criteria: Ambry Variant Classification Scheme 2023. Collection method: clinical testing. Allele origin: germline.
Comment: The p.G57D variant (also known as c.170G>A), located in coding exon 2 of the NF1 gene, results from a G to A substitution at nucleotide position 170. The glycine at codon 57 is replaced by aspartic acid, an amino acid with similar properties. This amino acid position is highly conserved in available vertebrate species. In addition, this alteration is predicted to be deleterious by in silico analysis. Based on the available evidence, the clinical significance of this variant remains unclear.

NM_001042492.3(NF1):c.170G>A (p.Gly57Asp)

Gene: NF1 (neurofibromin 1; plus strand). Cytogenetic location: 17q11.2.
Variant type: single nucleotide variant.
Coding change: c.170G>A on transcript NM_001042492.3 (MANE Select); coding-DNA position 170, G replaced by A.
Protein change: p.Gly57Asp; replaces glycine 57 with aspartic acid.
Molecular consequence: missense variant.
Genome position (GRCh38, 1-based): chr17:31,156,092, G>A. VCF-style: chr17-31156092-G-A. GRCh37 (hg19) VCF-style: chr17-29483110-G-A.
Other names: c.170G>A, p.Gly57Asp (NM_000267.4, NM_001128147.3); short protein forms G57D.
Identifiers: ClinVar variation 457544 (VCV000457544.8), dbSNP rs1555604925, ClinGen allele CA398988616.